The following is an entry in ClinVar:

ClinVar aggregate classification (germline): Uncertain significance (1 of 4 stars; one submission).

Conditions:
Autosomal dominant childhood-onset proximal spinal muscular atrophy with contractures (SMALED2A). Also called: SPINAL MUSCULAR ATROPHY, LOWER EXTREMITY-PREDOMINANT, 2A, CHILDHOOD ONSET, AUTOSOMAL DOMINANT; Spinal muscular atrophy, lower extremity-predominant, 2A, autosomal dominant. Identifiers: Orphanet 363447, Orphanet 363454, MedGen C4747715, MONDO:0014121, OMIM 615290.

Allele frequency attached by ClinVar (database versions not stated): gnomAD exomes below 0.00001; gnomAD 0.00001; TOPMed 0.00001.
gnomAD v4.1: 4 of 1,608,236 alleles (0.00025%); highest among the groups gnomAD compares: African/African-American, 0.004%; no homozygotes.

Submission:

Labcorp Genetics (formerly Invitae), Labcorp
Classification: Uncertain significance for Autosomal dominant childhood-onset proximal spinal muscular atrophy with contractures. Last evaluated: 2025-09-10. Review status: criteria provided, single submitter. Criteria: Invitae Variant Classification Sherloc (09022015). Collection method: clinical testing. Allele origin: germline.
Comment: This sequence change replaces threonine, which is neutral and polar, with alanine, which is neutral and non-polar, at codon 602 of the BICD2 protein (p.Thr602Ala). This variant is present in population databases (no rsID available, gnomAD 0.009%). This variant has not been reported in the literature in individuals affected with BICD2-related conditions. ClinVar contains an entry for this variant (Variation ID: 541288). Invitae Evidence Modeling of protein sequence and biophysical properties (such as structural, functional, and spatial information, amino acid conservation, physicochemical variation, residue mobility, and thermodynamic stability) indicates that this missense variant is not expected to disrupt BICD2 protein function with a negative predictive value of 80%. In summary, the available evidence is currently insufficient to determine the role of this variant in disease. Therefore, it has been classified as a Variant of Uncertain Significance.

NM_001003800.2(BICD2):c.1804A>G (p.Thr602Ala)

Gene: BICD2 (BICD cargo adaptor 2; minus strand). Cytogenetic location: 9q22.31.
Variant type: single nucleotide variant.
Coding change: c.1804A>G on transcript NM_001003800.2 (MANE Select); coding-DNA position 1804, A replaced by G.
Protein change: p.Thr602Ala; replaces threonine 602 with alanine.
Molecular consequence: missense variant.
Genome position (GRCh38, 1-based): chr9:92,718,841, T>C on the plus strand (A>G on the coding strand, the complement: BICD2 is on the minus strand). VCF-style: chr9-92718841-T-C. GRCh37 (hg19) VCF-style: chr9-95481123-T-C.
Other names: c.1804A>G, p.Thr602Ala (NM_015250.4); short protein forms T602A.
Identifiers: ClinVar variation 541288 (VCV000541288.11), dbSNP rs941771966, ClinGen allele CA196340115.